The following is an entry in ClinVar:

ClinVar aggregate classification (germline): Likely benign (1 of 4 stars; one submission).

Submission:

GeneDx
Classification: Likely benign. Last evaluated: 2017-04-03. Review status: criteria provided, single submitter. Criteria: GeneDx Variant Classification (06012015). Collection method: clinical testing. Allele origin: germline. Affected: yes.
Comment: This variant is considered likely benign or benign based on one or more of the following criteria: it is a conservative change, it occurs at a poorly conserved position in the protein, it is predicted to be benign by multiple in silico algorithms, and/or has population frequency not consistent with disease.

NM_007327.4(GRIN1):c.-16C>T

Gene: GRIN1 (glutamate ionotropic receptor NMDA type subunit 1; plus strand). Cytogenetic location: 9q34.3.
Variant type: single nucleotide variant.
Coding change: c.-16C>T on transcript NM_007327.4 (MANE Select); 16 bases upstream of the start codon, C replaced by T.
Molecular consequence: 5 prime UTR variant.
Genome position (GRCh38, 1-based): chr9:137,139,471, C>T. VCF-style: chr9-137139471-C-T. GRCh37 (hg19) VCF-style: chr9-140033923-C-T.
Other names: c.-16C>T (NM_000832.7, NM_001185090.2, NM_001185091.2 and 1 more transcripts).
Identifiers: ClinVar variation 508667 (VCV000508667.1), dbSNP rs1163701181, ClinGen allele CA591372779.